The following is an entry in ClinVar:

NM_014806.5(RUSC2):c.4196C>T (p.Ala1399Val)

Gene: RUSC2 (RUN and SH3 domain containing 2; plus strand). Cytogenetic location: 9p13.3.
Variant type: single nucleotide variant.
Coding change: c.4196C>T on transcript NM_014806.5 (MANE Select); coding-DNA position 4196, C replaced by T.
Protein change: p.Ala1399Val; replaces alanine 1399 with valine.
Molecular consequence: missense variant. On other transcripts: non-coding transcript variant (1).
Genome position (GRCh38, 1-based): chr9:35,560,836, C>T. VCF-style: chr9-35560836-C-T. GRCh37 (hg19) VCF-style: chr9-35560833-C-T.
Other names: c.4196C>T, p.Ala1399Val (NM_001135999.2); c.1562C>T, p.Ala521Val (NM_001330740.2); short protein forms A521V, A1399V.
Identifiers: ClinVar variation 1471749 (VCV001471749.8), dbSNP rs2131707967, ClinGen allele CA373356859.
Genomic context (GRCh38, chr9:35,560,836, plus strand): 5'-CTTCACCTGGAGGCATCAAGTGGGGACACCTCTTTGGCTCCCGAAAAGCCCAGCGGGAGG[C>T]CCGGCCCACAAATAGGTGAGAGCCTGCCCATGGTAGGGATGGAGGGAGTAGGGAGCCTGC-3'
Protein context (NP_055621.2, residues 1389-1409): LFGSRKAQRE[Ala1399Val]RPTNRLPSDW

ClinVar aggregate classification (germline): Uncertain significance (1 of 4 stars; one submission).

Submission:

Labcorp Genetics (formerly Invitae), Labcorp
Classification: Uncertain significance. Last evaluated: 2020-12-08. Review status: criteria provided, single submitter. Criteria: Invitae Variant Classification Sherloc (09022015). Collection method: clinical testing. Allele origin: germline.
Comment: This variant is not present in population databases (ExAC no frequency). This variant has not been reported in the literature in individuals with RUSC2-related conditions. Algorithms developed to predict the effect of missense changes on protein structure and function output the following: SIFT: "Tolerated"; PolyPhen-2: "Benign"; Align-GVGD: "Class C0". The valine amino acid residue is found in multiple mammalian species, suggesting that this missense change does not adversely affect protein function. These predictions have not been confirmed by published functional studies and their clinical significance is uncertain. Algorithms developed to predict the effect of sequence changes on RNA splicing suggest that this variant may create or strengthen a splice site, but this prediction has not been confirmed by published transcriptional studies. In summary, the available evidence is currently insufficient to determine the role of this variant in disease. Therefore, it has been classified as a Variant of Uncertain Significance. This sequence change replaces alanine with valine at codon 1399 of the RUSC2 protein (p.Ala1399Val). The alanine residue is weakly conserved and there is a small physicochemical difference between alanine and valine.